The following is an entry in ClinVar:

NM_005391.5(PDK3):c.946A>G (p.Thr316Ala)

Gene: PDK3 (pyruvate dehydrogenase kinase 3; plus strand). Cytogenetic location: Xp22.11.
Variant type: single nucleotide variant.
Coding change: c.946A>G on transcript NM_005391.5 (MANE Select); coding-DNA position 946, A replaced by G.
Protein change: p.Thr316Ala; replaces threonine 316 with alanine.
Molecular consequence: missense variant.
Genome position (GRCh38, 1-based): chrX:24,528,169, A>G. VCF-style: chrX-24528169-A-G. GRCh37 (hg19) VCF-style: chrX-24546286-A-G.
Other names: c.946A>G, p.Thr316Ala (NM_001142386.3); short protein forms T316A.
Identifiers: ClinVar variation 3363595 (VCV003363595.1).

ClinVar aggregate classification (germline): Uncertain significance (1 of 4 stars; one submission).

Submission:

GeneDx
Classification: Uncertain significance. Last evaluated: 2023-11-07. Review status: criteria provided, single submitter. Criteria: GeneDx Variant Classification Process June 2021. Collection method: clinical testing. Allele origin: germline. Affected: yes.
Comment: Not observed at significant frequency in large population cohorts (gnomAD); In silico analysis supports that this missense variant does not alter protein structure/function; Has not been previously published as pathogenic or benign to our knowledge